The following is an entry in ClinVar:

ClinVar aggregate classification (germline): Uncertain significance (1 of 4 stars; one submission).

Conditions:
Aortic aneurysm, familial thoracic 7 (AAT7). Also called: AORTIC DISSECTION, FAMILIAL, WITH OR WITHOUT AORTIC ANEURYSM. Identifiers: MedGen C3151077, MONDO:0013418, OMIM 613780.

gnomAD v4.1: 3 of 1,613,460 alleles (0.00019%); highest among the groups gnomAD compares: Non-Finnish European, 0.000085%; no homozygotes.

Submission:

Labcorp Genetics (formerly Invitae), Labcorp
Classification: Uncertain significance for Aortic aneurysm, familial thoracic 7. Last evaluated: 2025-03-11. Review status: criteria provided, single submitter. Criteria: Invitae Variant Classification Sherloc (09022015). Collection method: clinical testing. Allele origin: germline.
Comment: This sequence change replaces threonine, which is neutral and polar, with alanine, which is neutral and non-polar, at codon 1034 of the MYLK protein (p.Thr1034Ala). This variant is not present in population databases (gnomAD no frequency). This variant has not been reported in the literature in individuals affected with MYLK-related conditions. Invitae Evidence Modeling of protein sequence and biophysical properties (such as structural, functional, and spatial information, amino acid conservation, physicochemical variation, residue mobility, and thermodynamic stability) indicates that this missense variant is not expected to disrupt MYLK protein function with a negative predictive value of 80%. In summary, the available evidence is currently insufficient to determine the role of this variant in disease. Therefore, it has been classified as a Variant of Uncertain Significance.

NM_053025.4(MYLK):c.3100A>G (p.Thr1034Ala)

Gene: MYLK (myosin light chain kinase; minus strand). Cytogenetic location: 3q21.1.
Variant type: single nucleotide variant.
Coding change: c.3100A>G on transcript NM_053025.4 (MANE Select); coding-DNA position 3100, A replaced by G.
Protein change: p.Thr1034Ala; replaces threonine 1034 with alanine.
Molecular consequence: missense variant.
Genome position (GRCh38, 1-based): chr3:123,700,368, T>C on the plus strand (A>G on the coding strand, the complement: MYLK is on the minus strand). VCF-style: chr3-123700368-T-C. GRCh37 (hg19) VCF-style: chr3-123419215-T-C.
Other names: c.2572A>G, p.Thr858Ala (NM_001321309.2); c.2893A>G, p.Thr965Ala (NM_053026.4, NM_053028.4); c.3100A>G, p.Thr1034Ala (NM_053027.4); short protein forms T858A, T1034A, T965A.
Identifiers: ClinVar variation 4743562 (VCV004743562.1).